The following is an entry in ClinVar:

ClinVar aggregate classification (germline): Pathogenic (1 of 4 stars; one submission).

Submission:

GeneDx
Classification: Pathogenic. Last evaluated: 2025-05-06. Review status: criteria provided, single submitter. Criteria: GeneDx Variant Classification Process June 2021. Collection method: clinical testing. Allele origin: germline. Affected: yes.
Comment: Not observed at significant frequency in large population cohorts (gnomAD); In silico analysis supports that this missense variant has a deleterious effect on protein structure/function; Has not been previously published as pathogenic or benign to our knowledge

NM_006009.4(TUBA1A):c.466C>T (p.Arg156Cys)

Gene: TUBA1A (tubulin alpha 1a; minus strand). Cytogenetic location: 12q13.12.
Variant type: single nucleotide variant.
Coding change: c.466C>T on transcript NM_006009.4 (MANE Select); coding-DNA position 466, C replaced by T.
Protein change: p.Arg156Cys; replaces arginine 156 with cysteine.
Molecular consequence: missense variant.
Genome position (GRCh38, 1-based): chr12:49,185,900, G>A on the plus strand (C>T on the coding strand, the complement: TUBA1A is on the minus strand). VCF-style: chr12-49185900-G-A. GRCh37 (hg19) VCF-style: chr12-49579683-G-A.
Other names: c.466C>T, p.Arg156Cys (NM_001270399.2); c.361C>T, p.Arg121Cys (NM_001270400.2); short protein forms R121C, R156C.
Identifiers: ClinVar variation 4526974 (VCV004526974.1).